The following is an entry in ClinVar:

NM_198578.4(LRRK2):c.5195T>C (p.Met1732Thr)

Gene: LRRK2 (leucine rich repeat kinase 2; plus strand). Cytogenetic location: 12q12.
Variant type: single nucleotide variant.
Coding change: c.5195T>C on transcript NM_198578.4 (MANE Select); coding-DNA position 5195, T replaced by C.
Protein change: p.Met1732Thr; replaces methionine 1732 with threonine.
Molecular consequence: missense variant.
Genome position (GRCh38, 1-based): chr12:40,322,059, T>C. VCF-style: chr12-40322059-T-C. GRCh37 (hg19) VCF-style: chr12-40715861-T-C.
Other names: short protein forms M1732T.
Identifiers: ClinVar variation 1745940 (VCV001745940.3), dbSNP rs755391585, ClinGen allele CA6514394.

ClinVar aggregate classification (germline): Uncertain significance (1 of 4 stars; one submission).

Conditions:
Inborn genetic diseases. Identifiers: MedGen C0950123, MeSH D030342.

Allele frequency attached by ClinVar (database versions not stated): gnomAD exomes below 0.00001; ExAC 0.00002.

Submission:

Ambry Genetics
Classification: Uncertain significance for Inborn genetic diseases. Last evaluated: 2024-07-03. Review status: criteria provided, single submitter. Criteria: Ambry Variant Classification Scheme 2023. Collection method: clinical testing. Allele origin: germline.
Comment: The p.M1732T variant (also known as c.5195T>C), located in coding exon 36 of the LRRK2 gene, results from a T to C substitution at nucleotide position 5195. The methionine at codon 1732 is replaced by threonine, an amino acid with similar properties. This amino acid position is conserved. In addition, the in silico prediction for this alteration is inconclusive. Since supporting evidence is limited at this time, the clinical significance of this alteration remains unclear.